The following is an entry in ClinVar:

ClinVar aggregate classification (germline): Uncertain significance. Review status: criteria provided, multiple submitters, no conflicts (2 of 4 stars). 3 submissions from 3 submitters: Uncertain significance (2). 1 of the submissions does not count toward it. Last evaluated 2024-09-04.

Conditions:
Cardiovascular phenotype. Identifiers: MedGen CN230736.
Walker-Warburg congenital muscular dystrophy. Also called: Muscular dystrophy-dystroglycanopathy, type A; Walker-Warburg syndrome. Identifiers: Orphanet 899, MedGen C0265221, MONDO:0000171.

Allele frequency attached by ClinVar (database versions not stated): gnomAD 0.00001; ExAC 0.00002; gnomAD exomes 0.00002 and 0.00003.
gnomAD v4.1: 30 of 1,613,206 alleles (0.0019%); highest among the groups gnomAD compares: South Asian, 0.032%; no homozygotes.

Submissions (3):

Ambry Genetics
Classification: Uncertain significance for Cardiovascular phenotype. Last evaluated: 2024-09-04. Review status: criteria provided, single submitter. Criteria: Ambry Variant Classification Scheme 2023. Collection method: clinical testing. Allele origin: germline.
Comment: The p.K42E variant (also known as c.124A>G), located in coding exon 2 of the FKTN gene, results from an A to G substitution at nucleotide position 124. The lysine at codon 42 is replaced by glutamic acid, an amino acid with similar properties. This amino acid position is conserved. In addition, the in silico prediction for this alteration is inconclusive. Based on the available evidence, the clinical significance of this variant remains unclear.

Labcorp Genetics (formerly Invitae), Labcorp
Classification: Uncertain significance for Walker-Warburg congenital muscular dystrophy. Last evaluated: 2022-07-19. Review status: criteria provided, single submitter. Criteria: Invitae Variant Classification Sherloc (09022015). Collection method: clinical testing. Allele origin: germline.
Comment: This sequence change replaces lysine, which is basic and polar, with glutamic acid, which is acidic and polar, at codon 42 of the FKTN protein (p.Lys42Glu). This variant is present in population databases (rs752663857, gnomAD 0.02%). This variant has not been reported in the literature in individuals affected with FKTN-related conditions. ClinVar contains an entry for this variant (Variation ID: 578333). Algorithms developed to predict the effect of missense changes on protein structure and function (SIFT, PolyPhen-2, Align-GVGD) all suggest that this variant is likely to be tolerated. In summary, the available evidence is currently insufficient to determine the role of this variant in disease. Therefore, it has been classified as a Variant of Uncertain Significance.

Natera, Inc.
Classification: Uncertain significance for Walker-Warburg congenital muscular dystrophy. Last evaluated: 2019-10-28. Review status: no assertion criteria provided. Collection method: clinical testing. Allele origin: germline. Not counted in ClinVar's aggregate classification.

NM_001079802.2(FKTN):c.124A>G (p.Lys42Glu)

Gene: FKTN (fukutin; plus strand). Cytogenetic location: 9q31.2.
Variant type: single nucleotide variant.
Coding change: c.124A>G on transcript NM_001079802.2 (MANE Select); coding-DNA position 124, A replaced by G.
Protein change: p.Lys42Glu; replaces lysine 42 with glutamic acid.
Molecular consequence: missense variant. On other transcripts: 5 prime UTR variant (5), non-coding transcript variant (2).
Genome position (GRCh38, 1-based): chr9:105,596,616, A>G. VCF-style: chr9-105596616-A-G. GRCh37 (hg19) VCF-style: chr9-108358897-A-G.
Other names: c.124A>G, p.Lys42Glu (NM_001198963.2, NM_001351496.2, NM_001351498.2 and 1 more transcripts); c.-44A>G (NM_001351497.2); c.-391A>G (NM_001351499.2, NM_001351500.2, NM_001351501.2 and 1 more transcripts); short protein forms K42E.
Identifiers: ClinVar variation 578333 (VCV000578333.9), dbSNP rs752663857, ClinGen allele CA5170316.